The following is an entry in ClinVar:

NM_001370466.1(NOD2):c.2419A>C (p.Lys807Gln)

Gene: NOD2 (nucleotide binding oligomerization domain containing 2; plus strand). Cytogenetic location: 16q12.1.
Variant type: single nucleotide variant.
Coding change: c.2419A>C on transcript NM_001370466.1 (MANE Select); coding-DNA position 2419, A replaced by C.
Protein change: p.Lys807Gln; replaces lysine 807 with glutamine.
Molecular consequence: missense variant. On other transcripts: non-coding transcript variant (1).
Genome position (GRCh38, 1-based): chr16:50,716,624, A>C. VCF-style: chr16-50716624-A-C. GRCh37 (hg19) VCF-style: chr16-50750535-A-C.
Other names: c.2419A>C, p.Lys807Gln (NM_001293557.2); c.2500A>C, p.Lys834Gln (NM_022162.3); short protein forms K834Q, K807Q.
Identifiers: ClinVar variation 845320 (VCV000845320.1), dbSNP rs1964807205, ClinGen allele CA395873502.

ClinVar aggregate classification (germline): Uncertain significance (1 of 4 stars; one submission).

Conditions:
Inflammatory bowel disease 1 (IBD1). Also called: Inflammatory bowel disease 1, Crohn disease; INFLAMMATORY BOWEL DISEASE (CROHN DISEASE) 1. Identifiers: MedGen CN260071, MONDO:0009960, OMIM 266600.
Blau syndrome (BLAUS). Also called: GRANULOMATOSIS, FAMILIAL JUVENILE SYSTEMIC; GRANULOMATOSIS, FAMILIAL, BLAU TYPE; GRANULOMATOUS INFLAMMATORY ARTHRITIS, DERMATITIS, AND UVEITIS, FAMILIAL; ARTHROCUTANEOUVEAL GRANULOMATOSIS; JABS SYNDROME. Identifiers: Orphanet 90340, MedGen C5201146, MONDO:0008523, OMIM 186580.

Submission:

Labcorp Genetics (formerly Invitae), Labcorp
Classification: Uncertain significance for Inflammatory bowel disease 1; Blau syndrome. Last evaluated: 2019-04-24. Review status: criteria provided, single submitter. Criteria: Invitae Variant Classification Sherloc (09022015). Collection method: clinical testing. Allele origin: germline.
Comment: This sequence change replaces lysine with glutamine at codon 834 of the NOD2 protein (p.Lys834Gln). The lysine residue is moderately conserved and there is a small physicochemical difference between lysine and glutamine. This variant is not present in population databases (ExAC no frequency). This variant has not been reported in the literature in individuals with NOD2-related conditions. Algorithms developed to predict the effect of missense changes on protein structure and function (SIFT, PolyPhen-2, Align-GVGD) all suggest that this variant is likely to be tolerated, but these predictions have not been confirmed by published functional studies and their clinical significance is uncertain. In summary, the available evidence is currently insufficient to determine the role of this variant in disease. Therefore, it has been classified as a Variant of Uncertain Significance.